The following is an entry in ClinVar:

NM_004984.4(KIF5A):c.2630G>C (p.Gly877Ala)

Gene: KIF5A (kinesin family member 5A; plus strand). Cytogenetic location: 12q13.3.
Variant type: single nucleotide variant.
Coding change: c.2630G>C on transcript NM_004984.4 (MANE Select); coding-DNA position 2630, G replaced by C.
Protein change: p.Gly877Ala; replaces glycine 877 with alanine.
Molecular consequence: missense variant.
Genome position (GRCh38, 1-based): chr12:57,581,047, G>C. VCF-style: chr12-57581047-G-C. GRCh37 (hg19) VCF-style: chr12-57974830-G-C.
Other names: c.2363G>C, p.Gly788Ala (NM_001354705.2); short protein forms G877A, G788A.
Identifiers: ClinVar variation 1506716 (VCV001506716.8), dbSNP rs1882579532, ClinGen allele CA385515163.

ClinVar aggregate classification (germline): Uncertain significance. Review status: criteria provided, multiple submitters, no conflicts (2 of 4 stars). 2 submissions from 2 submitters: Uncertain significance (2). Last evaluated 2026-03-26.

Conditions:
Spastic paraplegia. Identifiers: MedGen C0037772, HP:0001258.

Allele frequency attached by ClinVar (database versions not stated): gnomAD 0.00001.

Submissions (2):

Dasa
Classification: Uncertain significance. Last evaluated: 2026-03-26. Review status: criteria provided, single submitter. Criteria: DASA Assertion Criteria. Collection method: clinical testing. Allele origin: germline.
Comment: NM_004984.4(KIF5A):c.2630G>C (p.Gly877Ala) is a missense variant that results in the substitution of glycine with alanine. This variant is rare in population databases. The currently available literature and clinical evidence are not sufficient to establish a definitive association between this variant and the reported condition. Therefore, this variant is classified as a variant of uncertain significance.

Labcorp Genetics (formerly Invitae), Labcorp
Classification: Uncertain significance for Spastic paraplegia. Last evaluated: 2024-02-22. Review status: criteria provided, single submitter. Criteria: Invitae Variant Classification Sherloc (09022015). Collection method: clinical testing. Allele origin: germline.
Comment: This sequence change replaces glycine, which is neutral and non-polar, with alanine, which is neutral and non-polar, at codon 877 of the KIF5A protein (p.Gly877Ala). This variant is not present in population databases (gnomAD no frequency). This variant has not been reported in the literature in individuals affected with KIF5A-related conditions. ClinVar contains an entry for this variant (Variation ID: 1506716). Advanced modeling of protein sequence and biophysical properties (such as structural, functional, and spatial information, amino acid conservation, physicochemical variation, residue mobility, and thermodynamic stability) performed at Invitae indicates that this missense variant is not expected to disrupt KIF5A protein function with a negative predictive value of 95%. In summary, the available evidence is currently insufficient to determine the role of this variant in disease. Therefore, it has been classified as a Variant of Uncertain Significance.